The following is an entry in ClinVar:

NM_003361.4(UMOD):c.359G>T (p.Cys120Phe)

Gene: UMOD (uromodulin; minus strand). Cytogenetic location: 16p12.3.
Variant type: single nucleotide variant.
Coding change: c.359G>T on transcript NM_003361.4 (MANE Select); coding-DNA position 359, G replaced by T.
Protein change: p.Cys120Phe; replaces cysteine 120 with phenylalanine.
Molecular consequence: missense variant. On other transcripts: non-coding transcript variant (1).
Genome position (GRCh38, 1-based): chr16:20,348,942, C>A on the plus strand (G>T on the coding strand, the complement: UMOD is on the minus strand). VCF-style: chr16-20348942-C-A. GRCh37 (hg19) VCF-style: chr16-20360264-C-A.
Other names: c.359G>T, p.Cys120Phe (NM_001008389.3, NM_001378232.1, NM_001378233.1 and 3 more transcripts); c.458G>T, p.Cys153Phe (NM_001278614.2); short protein forms C120F, C153F.
Identifiers: ClinVar variation 3066135 (VCV003066135.1), dbSNP rs1322587342, ClinGen allele CA394986273.

ClinVar aggregate classification (germline): Likely pathogenic (1 of 4 stars; one submission).

Conditions:
Familial juvenile hyperuricemic nephropathy type 1 (ADTKD1). Also called: UMOD-Associated Kidney Disease; Uromodulin-associated kidney disease; Autosomal Dominant Tubulointerstitial Kidney Disease – UMOD; Glomerulocystic kidney disease with hyperuricemia and isosthenuria; Medullary cystic kidney disease 2. Identifiers: Orphanet 209886, Orphanet 34149, Orphanet 88950, MedGen C4551496, MONDO:0008073, OMIM 162000.

Submission:

MVZ Medizinische Genetik Mainz
Classification: Likely pathogenic for Familial juvenile hyperuricemic nephropathy type 1. Last evaluated: 2023-06-02. Review status: criteria provided, single submitter. Criteria: UK Practice Guidelines For Variant Classification V4 01 2020. Collection method: clinical testing. Allele origin: germline. Inheritance: Autosomal dominant inheritance. Affected: yes. Observed: 1 variant allele.
Comment: ACMG Criteria: PP3_STR,PM1,PM5,PM2_SUP